The following is an entry in ClinVar:

ClinVar aggregate classification (germline): Uncertain significance (1 of 4 stars; one submission).

Allele frequency attached by ClinVar (database versions not stated): TOPMed 0.00001; gnomAD 0.00002; gnomAD exomes 0.00002.

Submission:

Labcorp Genetics (formerly Invitae), Labcorp
Classification: Uncertain significance. Last evaluated: 2022-02-09. Review status: criteria provided, single submitter. Criteria: Invitae Variant Classification Sherloc (09022015). Collection method: clinical testing. Allele origin: germline.
Comment: Algorithms developed to predict the effect of missense changes on protein structure and function (SIFT, PolyPhen-2, Align-GVGD) all suggest that this variant is likely to be tolerated. In summary, the available evidence is currently insufficient to determine the role of this variant in disease. Therefore, it has been classified as a Variant of Uncertain Significance. This variant has not been reported in the literature in individuals affected with MAPKBP1-related conditions. This variant is present in population databases (no rsID available, gnomAD 0.002%). This sequence change replaces tyrosine, which is neutral and polar, with histidine, which is basic and polar, at codon 1053 of the MAPKBP1 protein (p.Tyr1053His).

NM_014994.3(MAPKBP1):c.3139T>C (p.Tyr1047His)

Gene: MAPKBP1 (mitogen-activated protein kinase binding protein 1; plus strand). Cytogenetic location: 15q15.1.
Variant type: single nucleotide variant.
Coding change: c.3139T>C on transcript NM_014994.3 (MANE Select); coding-DNA position 3139, T replaced by C.
Protein change: p.Tyr1047His; replaces tyrosine 1047 with histidine.
Molecular consequence: missense variant. On other transcripts: non-coding transcript variant (2).
Genome position (GRCh38, 1-based): chr15:41,822,332, T>C. VCF-style: chr15-41822332-T-C. GRCh37 (hg19) VCF-style: chr15-42114530-T-C.
Other names: c.3157T>C, p.Tyr1053His (NM_001128608.2); c.3139T>C, p.Tyr1047His (NM_001265611.2); short protein forms Y1047H, Y1053H.
Identifiers: ClinVar variation 1898881 (VCV001898881.5), dbSNP rs1215068851, ClinGen allele CA391874008.